The following is an entry in ClinVar:

ClinVar aggregate classification (germline): Conflicting classifications of pathogenicity. Review status: criteria provided, conflicting classifications (1 of 4 stars). 5 submissions from 5 submitters: Uncertain significance (1); Benign (1); Likely benign (3). Last evaluated 2026-02-22.

Conditions:
Hereditary cancer-predisposing syndrome. Also called: Neoplastic Syndromes, Hereditary; Tumor predisposition; Hereditary Cancer Syndrome; Hereditary neoplastic syndrome. Identifiers: Orphanet 140162, MedGen C0027672, MeSH D009386, MONDO:0015356.
BAP1-related tumor predisposition syndrome (TPDS1). Also called: Tumor susceptibility linked to germline BAP1 mutations; BAP1 tumor predisposition syndrome; COMMON Syndrome; TUMOR PREDISPOSITION SYNDROME 1. Identifiers: Orphanet 289539, MedGen C3280492, MONDO:0013692, OMIM 614327.
BAP1-related disorder. Also called: BAP1-related condition.

Allele frequency attached by ClinVar (database versions not stated): gnomAD 0.00003 and 0.00004; TOPMed 0.00003; gnomAD exomes below 0.00001.
gnomAD v4.1: 11 of 1,610,050 alleles (0.00068%); highest among the groups gnomAD compares: African/African-American, 0.008%; no homozygotes.

Submissions (5):

PreventionGenetics, part of Exact Sciences
Classification: Likely benign for BAP1-related condition. Last evaluated: 2026-02-22. Review status: criteria provided, single submitter. Criteria: ACMG Guidelines, 2015. Collection method: clinical testing. Allele origin: germline.
Comment: This variant is classified as likely benign based on ACMG/AMP sequence variant interpretation guidelines (Richards et al. 2015 PMID: 25741868, with internal and published modifications).

Labcorp Genetics (formerly Invitae), Labcorp
Classification: Likely benign for BAP1-related tumor predisposition syndrome. Last evaluated: 2025-10-23. Review status: criteria provided, single submitter. Criteria: Invitae Variant Classification Sherloc (09022015). Collection method: clinical testing. Allele origin: germline.

Quest Diagnostics Nichols Institute San Juan Capistrano
Classification: Uncertain significance. Last evaluated: 2025-08-07. Review status: criteria provided, single submitter. Criteria: Quest Diagnostics criteria. Collection method: clinical testing. Allele origin: unknown.
Comment: The BAP1 c.141C>T (p.Ile47=) synonymous variant has not been reported in individuals with BAP1-related conditions in the published literature. The frequency of this variant in the general population (Genome Aggregation Database) is uninformative in the assessment of its pathogenicity. Analysis of this variant using software algorithms for the prediction of the effect of nucleotide changes on splicing yielded predictions that this variant does not affect BAP1 mRNA splicing. Based on the available information, we are unable to determine the clinical significance of this variant.

Myriad Genetics, Inc.
Classification: Benign for BAP1-related tumor predisposition syndrome. Last evaluated: 2024-07-11. Review status: criteria provided, single submitter. Criteria: Myriad Autosomal Dominant, Autosomal Recessive and X-Linked Classification Criteria (2023). Collection method: clinical testing. Allele origin: unknown.
Comment: This variant is considered benign. This variant is a silent/synonymous amino acid change and it is not expected to impact splicing.

Ambry Genetics
Classification: Likely benign for Hereditary cancer-predisposing syndrome. Last evaluated: 2023-02-24. Review status: criteria provided, single submitter. Criteria: Ambry Variant Classification Scheme 2023. Collection method: clinical testing. Allele origin: germline.

NM_004656.4(BAP1):c.141C>T (p.Ile47=)

Gene: BAP1 (BRCA1 associated deubiquitinase 1; minus strand). Cytogenetic location: 3p21.1.
Variant type: single nucleotide variant.
Coding change: c.141C>T on transcript NM_004656.4 (MANE Select); coding-DNA position 141, C replaced by T.
Protein change: p.Ile47=; no amino-acid change (isoleucine 47 retained).
Molecular consequence: synonymous variant.
Genome position (GRCh38, 1-based): chr3:52,408,588, G>A on the plus strand (C>T on the coding strand, the complement: BAP1 is on the minus strand). VCF-style: chr3-52408588-G-A. GRCh37 (hg19) VCF-style: chr3-52442604-G-A.
Other names: c.141C>T (NM_004656.2).
Identifiers: ClinVar variation 707787 (VCV000707787.14), dbSNP rs973389335, ClinGen allele CA74744377.
Genomic context (GRCh38, chr3:52,408,588, plus strand): 5'-ATCCACCAAGGTAGAGACCTTTCGCCGGGACCGGCGCTCTTCGATCCATTTGAACAGGAA[G>A]ATAAATCCATATACAGGGCTGGGGGAAGTAAGGGGCAGAGCCAGATCAGCCAAAGGGGAG-3'
Protein context (NP_004647.1, residues 37-57): SKCQGPVYGF[Ile47=]FLFKWIEERR